The following is an entry in ClinVar:

NM_006734.4(HIVEP2):c.266C>T (p.Pro89Leu)

Gene: HIVEP2 (HIVEP zinc finger 2; minus strand). Cytogenetic location: 6q24.2.
Variant type: single nucleotide variant.
Coding change: c.266C>T on transcript NM_006734.4 (MANE Select); coding-DNA position 266, C replaced by T.
Protein change: p.Pro89Leu; replaces proline 89 with leucine.
Molecular consequence: missense variant.
Genome position (GRCh38, 1-based): chr6:142,774,473, G>A on the plus strand (C>T on the coding strand, the complement: HIVEP2 is on the minus strand). VCF-style: chr6-142774473-G-A. GRCh37 (hg19) VCF-style: chr6-143095610-G-A.
Other names: short protein forms P89L.
Identifiers: ClinVar variation 4035377 (VCV004035377.7).
Genomic context (GRCh38, chr6:142,774,473, plus strand): 5'-ACCCCCTGTGGCAATGAGTGCTGAGGGAAAGAGAGTGAGTGTTGGCATGAGTAAGGACTC[G>A]GACGATGCGGTGGATATTGCTTCTCTGCGACTTGCTGCACCACTTCACTAGGGGAGGCCA-3'
Protein context (NP_006725.3, residues 79-99): VAEKQYPPHR[Pro89Leu]SPYSCQHSLS

ClinVar aggregate classification (germline): Conflicting classifications of pathogenicity. Review status: criteria provided, conflicting classifications (1 of 4 stars). 2 submissions from 2 submitters: Uncertain significance (1); Likely benign (1). Last evaluated 2025-10-01.

Conditions:
Inborn genetic diseases. Identifiers: MedGen C0950123, MeSH D030342.

gnomAD v4.1: 26 of 1,614,084 alleles (0.0016%); highest among the groups gnomAD compares: African/African-American, 0.0027%; no homozygotes.

Submissions (2):

CeGaT Center for Human Genetics Tuebingen
Classification: Likely benign. Last evaluated: 2025-10-01. Review status: criteria provided, single submitter. Criteria: CeGaT Center For Human Genetics Tuebingen Variant Classification Criteria Version 2. Collection method: clinical testing. Allele origin: germline. Affected: yes. Observed: 1 variant allele.
Comment: HIVEP2: BP4

Ambry Genetics
Classification: Uncertain significance for Inborn genetic diseases. Last evaluated: 2025-04-13. Review status: criteria provided, single submitter. Criteria: Ambry Variant Classification Scheme 2023. Collection method: clinical testing. Allele origin: germline.